The following is an entry in ClinVar:

ClinVar aggregate classification (germline): Conflicting classifications of pathogenicity. Review status: criteria provided, conflicting classifications (1 of 4 stars). 3 submissions from 3 submitters: Likely pathogenic (1); Uncertain significance (1). 1 of the submissions does not count toward it. Last evaluated 2026-08-24.

Conditions:
Deficiency of iodide peroxidase (TDH2A). Also called: HYPOTHYROIDISM, CONGENITAL, DUE TO DYSHORMONOGENESIS, 2A; IODIDE PEROXIDASE DEFICIENCY; THYROID HORMONOGENESIS, GENETIC DEFECT IN, 2A; THYROID PEROXIDASE DEFICIENCY; Thyroid dyshormonogenesis 2A. Identifiers: Orphanet 95716, MedGen C1291299, MONDO:0010133, OMIM 274500.

Allele frequency attached by ClinVar (database versions not stated): ExAC 0.00002; gnomAD 0.00002.

Submissions (3):

GeneDx
Classification: Likely pathogenic. Last evaluated: 2026-08-24. Review status: criteria provided, single submitter. Criteria: GeneDx Variant Classification Process June 2021. Collection method: clinical testing. Allele origin: germline.
Comment: In silico analysis supports that this missense variant has a deleterious effect on protein structure/function; This variant is associated with the following publications: (PMID: 31287502, 38105685, 28444304, 40665986, 37390946, 36884306)

Women's Health and Genetics/Laboratory Corporation of America, LabCorp
Classification: Uncertain significance. Last evaluated: 2023-05-04. Review status: criteria provided, single submitter. Criteria: LabCorp Variant Classification Summary - May 2015. Collection method: clinical testing. Allele origin: germline.
Comment: Variant summary: TPO c.1750C>T (p.Arg584Trp) results in a non-conservative amino acid change in the encoded protein sequence. Five of five in-silico tools predict a damaging effect of the variant on protein function. The variant allele was found at a frequency of 1.2e-05 in 251346 control chromosomes (gnomAD). The available data on variant occurrences in the general population are insufficient to allow any conclusion about variant significance. c.1750C>T has been reported in the literature in individuals affected with Congenital hypothyroidism with non informative genotypes (example: de Filippis_2017 and Medda_2019). These report(s) do not provide unequivocal conclusions about association of the variant with Deficiency Of Iodide Peroxidase. To our knowledge, no experimental evidence demonstrating an impact on protein function has been reported. The following publications have been ascertained in the context of this evaluation (PMID: 28444304, 31287502). Two clinical diagnostic laboratories have submitted clinical-significance assessments for this variant to ClinVar after 2014 and classified the variant as likely pathogenic, and as uncertain significance. Based on the evidence outlined above, the variant was classified as uncertain significance.

Clinical Genetics Laboratory, University Hospital Schleswig-Holstein
Classification: Likely pathogenic for Deficiency of iodide peroxidase. Last evaluated: 2022-06-02. Review status: no assertion criteria provided. Collection method: clinical testing. Allele origin: germline. Affected: yes. Not counted in ClinVar's aggregate classification.

Literature cited by the submitters: PubMed 28444304 (cited by Women's Health and Genetics/Laboratory Corporation of America, LabCorp); PubMed 31287502 (cited by Women's Health and Genetics/Laboratory Corporation of America, LabCorp).

NM_001206744.2(TPO):c.1750C>T (p.Arg584Trp)

Genes: LALTOP (lung cancer associated lncRNA targeting TOP2A; minus strand), TPO (thyroid peroxidase; plus strand). Cytogenetic location: 2p25.3.
Variant type: single nucleotide variant.
Coding change: c.1750C>T on transcript NM_001206744.2 (MANE Select); coding-DNA position 1750, C replaced by T.
Protein change: p.Arg584Trp; replaces arginine 584 with tryptophan.
Molecular consequence: missense variant. On other transcripts: intron variant (2).
Genome position (GRCh38, 1-based): chr2:1,487,973, C>T. VCF-style: chr2-1487973-C-T. GRCh37 (hg19) VCF-style: chr2-1491745-C-T.
Other names: c.1750C>T (NM_000547.5); c.1750C>T, p.Arg584Trp (NM_000547.6, NM_175721.3); c.1231C>T, p.Arg411Trp (NM_175722.3); c.1597+3119C>T (NM_175719.4, NM_001206745.2); short protein forms R411W, R584W.
Identifiers: ClinVar variation 1710270 (VCV001710270.5), dbSNP rs758751424, ClinGen allele CA1511823.
Genomic context (GRCh38, chr2:1,487,973, plus strand): 5'-CTCTTTGTGCTGTCCAATTCCAGCACCTTGGATCTGGCGTCCATCAACCTGCAGAGGGGC[C>T]GGGACCACGGGCTGCCAGGTCTGCCAGTTCCTTCCCTTGCACACCTCATGCAGCTGCTGC-3'
Protein context (NP_001193673.1, residues 574-594): DLASINLQRG[Arg584Trp]DHGLPGYNEW